The following is an entry in ClinVar:

ClinVar aggregate classification (germline): Likely pathogenic (1 of 4 stars; one submission).

gnomAD v4.1: 2 of 1,614,022 alleles (0.00012%); highest among the groups gnomAD compares: Non-Finnish European, 0.00017%; no homozygotes.

Submission:

Labcorp Genetics (formerly Invitae), Labcorp
Classification: Likely pathogenic. Last evaluated: 2025-07-21. Review status: criteria provided, single submitter. Criteria: Invitae Variant Classification Sherloc (09022015). Collection method: clinical testing. Allele origin: germline.
Comment: This sequence change affects an acceptor splice site in intron 5 of the NDUFAF6 gene. It is expected to disrupt RNA splicing. Variants that disrupt the donor or acceptor splice site typically lead to a loss of protein function (PMID: 16199547), and loss-of-function variants in NDUFAF6 are known to be pathogenic (PMID: 28639102, 30642748). This variant is not present in population databases (gnomAD no frequency). This variant has not been reported in the literature in individuals affected with NDUFAF6-related conditions. Algorithms developed to predict the effect of sequence changes on RNA splicing suggest that this variant may disrupt the consensus splice site. In summary, the currently available evidence indicates that the variant is pathogenic, but additional data are needed to prove that conclusively. Therefore, this variant has been classified as Likely Pathogenic.

Literature cited by the submitters: PubMed 16199547; PubMed 28639102; PubMed 30642748.

NM_152416.4(NDUFAF6):c.581-1G>A

Gene: NDUFAF6 (NADH:ubiquinone oxidoreductase complex assembly factor 6; plus strand). Cytogenetic location: 8q22.1.
Variant type: single nucleotide variant.
Coding change: c.581-1G>A on transcript NM_152416.4 (MANE Select); the canonical splice acceptor site of the intron before coding-DNA position 581, G replaced by A.
Molecular consequence: splice acceptor variant.
Genome position (GRCh38, 1-based): chr8:95,046,993, G>A. VCF-style: chr8-95046993-G-A. GRCh37 (hg19) VCF-style: chr8-96059221-G-A.
Other names: c.248-1G>A (NM_001354534.2, NM_001354518.2, NM_001354519.2 and 1 more transcripts); c.305-1G>A (NM_001354514.2, NM_001354515.2, NM_001330582.2 and 1 more transcripts); c.125-1G>A (NM_001354525.2, NM_001354524.2, NM_001354522.2 and 7 more transcripts); c.425-1G>A (NM_001354516.2).
Identifiers: ClinVar variation 4759937 (VCV004759937.1).